The following is an entry in ClinVar:

ClinVar aggregate classification (germline): Uncertain significance (1 of 4 stars; one submission).

Conditions:
Bardet-Biedl syndrome (BBS). Identifiers: Orphanet 110, MedGen C0752166, MONDO:0015229.

Allele frequency attached by ClinVar (database versions not stated): TOPMed 0.00002.

Submission:

Labcorp Genetics (formerly Invitae), Labcorp
Classification: Uncertain significance for Bardet-Biedl syndrome. Last evaluated: 2022-08-22. Review status: criteria provided, single submitter. Criteria: Invitae Variant Classification Sherloc (09022015). Collection method: clinical testing. Allele origin: germline.
Comment: This sequence change replaces glycine, which is neutral and non-polar, with arginine, which is basic and polar, at codon 496 of the BBS12 protein (p.Gly496Arg). This variant is not present in population databases (gnomAD no frequency). This variant has not been reported in the literature in individuals affected with BBS12-related conditions. Algorithms developed to predict the effect of missense changes on protein structure and function output the following: SIFT: "Deleterious"; PolyPhen-2: "Possibly Damaging"; Align-GVGD: "Class C0". The arginine amino acid residue is found in multiple mammalian species, which suggests that this missense change does not adversely affect protein function. In summary, the available evidence is currently insufficient to determine the role of this variant in disease. Therefore, it has been classified as a Variant of Uncertain Significance.

NM_152618.3(BBS12):c.1486G>A (p.Gly496Arg)

Gene: BBS12 (Bardet-Biedl syndrome 12; plus strand). Cytogenetic location: 4q27.
Variant type: single nucleotide variant.
Coding change: c.1486G>A on transcript NM_152618.3 (MANE Select); coding-DNA position 1486, G replaced by A.
Protein change: p.Gly496Arg; replaces glycine 496 with arginine.
Molecular consequence: missense variant.
Genome position (GRCh38, 1-based): chr4:122,743,378, G>A. VCF-style: chr4-122743378-G-A. GRCh37 (hg19) VCF-style: chr4-123664533-G-A.
Other names: c.1486G>A, p.Gly496Arg (NM_001178007.2); short protein forms G496R.
Identifiers: ClinVar variation 2090410 (VCV002090410.1), dbSNP rs1269391812, ClinGen allele CA358225225.